The following is an entry in ClinVar:

NM_144499.3(GNAT1):c.1000G>T (p.Ala334Ser)

Gene: GNAT1 (G protein subunit alpha transducin 1; plus strand). Cytogenetic location: 3p21.31.
Variant type: single nucleotide variant.
Coding change: c.1000G>T on transcript NM_144499.3 (MANE Select); coding-DNA position 1000, G replaced by T.
Protein change: p.Ala334Ser; replaces alanine 334 with serine.
Molecular consequence: missense variant.
Genome position (GRCh38, 1-based): chr3:50,194,902, G>T. VCF-style: chr3-50194902-G-T. GRCh37 (hg19) VCF-style: chr3-50232335-G-T.
Other names: c.1000G>T, p.Ala334Ser (NM_000172.4); short protein forms A334S.
Identifiers: ClinVar variation 2778907 (VCV002778907.3), dbSNP rs2546147883, ClinGen allele CA352921039.

ClinVar aggregate classification (germline): Uncertain significance (1 of 4 stars; one submission).

Allele frequency attached by ClinVar (database versions not stated): gnomAD exomes below 0.00001.

Submission:

Labcorp Genetics (formerly Invitae), Labcorp
Classification: Uncertain significance. Last evaluated: 2024-06-09. Review status: criteria provided, single submitter. Criteria: Invitae Variant Classification Sherloc (09022015). Collection method: clinical testing. Allele origin: germline.
Comment: This sequence change replaces alanine, which is neutral and non-polar, with serine, which is neutral and polar, at codon 334 of the GNAT1 protein (p.Ala334Ser). This variant is not present in population databases (gnomAD no frequency). This variant has not been reported in the literature in individuals affected with GNAT1-related conditions. Advanced modeling of protein sequence and biophysical properties (such as structural, functional, and spatial information, amino acid conservation, physicochemical variation, residue mobility, and thermodynamic stability) performed at Invitae indicates that this missense variant is not expected to disrupt GNAT1 protein function with a negative predictive value of 80%. In summary, the available evidence is currently insufficient to determine the role of this variant in disease. Therefore, it has been classified as a Variant of Uncertain Significance.